The following is an entry in ClinVar:

ClinVar aggregate classification (germline): Uncertain significance (1 of 4 stars; one submission).

Submission:

Labcorp Genetics (formerly Invitae), Labcorp
Classification: Uncertain significance. Last evaluated: 2022-08-16. Review status: criteria provided, single submitter. Criteria: Invitae Variant Classification Sherloc (09022015). Collection method: clinical testing. Allele origin: germline.
Comment: This sequence change replaces serine, which is neutral and polar, with asparagine, which is neutral and polar, at codon 1942 of the USH2A protein (p.Ser1942Asn). This variant is not present in population databases (gnomAD no frequency). This variant has not been reported in the literature in individuals affected with USH2A-related conditions. Algorithms developed to predict the effect of missense changes on protein structure and function (SIFT, PolyPhen-2, Align-GVGD) all suggest that this variant is likely to be disruptive. In summary, the available evidence is currently insufficient to determine the role of this variant in disease. Therefore, it has been classified as a Variant of Uncertain Significance.

NM_206933.4(USH2A):c.5825G>A (p.Ser1942Asn)

Genes: USH2A (usherin; minus strand), USH2A-AS2 (USH2A antisense RNA 2; plus strand). Cytogenetic location: 1q41.
Variant type: single nucleotide variant.
Coding change: c.5825G>A on transcript NM_206933.4 (MANE Select); coding-DNA position 5825, G replaced by A.
Protein change: p.Ser1942Asn; replaces serine 1942 with asparagine.
Molecular consequence: missense variant.
Genome position (GRCh38, 1-based): chr1:216,072,921, C>T on the plus strand (G>A on the coding strand, the complement: USH2A is on the minus strand). VCF-style: chr1-216072921-C-T. GRCh37 (hg19) VCF-style: chr1-216246263-C-T.
Other names: short protein forms S1942N.
Identifiers: ClinVar variation 2095285 (VCV002095285.4), dbSNP rs2527776760, ClinGen allele CA344853786.